The following is an entry in ClinVar:

ClinVar aggregate classification (germline): Likely pathogenic (1 of 4 stars; one submission).

Conditions:
Retinitis pigmentosa (RP). Identifiers: Orphanet 791, MedGen C0035334, MeSH D012174, MONDO:0019200, OMIM 268000. Inheritance: Autosomal dominant, autosomal recessive and X linked inheritance.

gnomAD v4.1: 5 of 1,614,228 alleles (0.00031%); highest among the groups gnomAD compares: South Asian, 0.0011%; no homozygotes.

Submission:

Women's Health and Genetics/Laboratory Corporation of America, LabCorp
Classification: Likely pathogenic for Retinitis pigmentosa. Last evaluated: 2025-12-11. Review status: criteria provided, single submitter. Criteria: LabCorp Variant Classification Summary - May 2015. Collection method: clinical testing. Allele origin: germline.
Comment: Variant summary: RLBP1 c.437G>A (p.Gly146Asp) results in a non-conservative amino acid change in the encoded protein sequence. Algorithms developed to predict the effect of missense changes on protein structure and function all suggest that this variant is likely to be disruptive. The variant allele was found at a frequency of 8e-06 in 251484 control chromosomes. c.437G>A has been observed in individuals affected with inherited retinal disease including Retinitis Pigmentosa (e.g. Demirci_2004, Colombo_2021, Kerali_2022). These data indicate that the variant is likely to be associated with disease. To our knowledge, no experimental evidence demonstrating an impact on protein function has been reported. The following publications have been ascertained in the context of this evaluation (PMID: 15234312, 33576794, 36460718). No submitters have cited clinical-significance assessments for this variant to ClinVar. Based on the evidence outlined above, the variant was classified as likely pathogenic.

Literature cited by the submitters: PubMed 33576794; PubMed 36460718; PubMed 15234312.

NM_000326.5(RLBP1):c.437G>A (p.Gly146Asp)

Gene: RLBP1 (retinaldehyde binding protein 1; minus strand). Cytogenetic location: 15q26.1.
Variant type: single nucleotide variant.
Coding change: c.437G>A on transcript NM_000326.5 (MANE Select); coding-DNA position 437, G replaced by A.
Protein change: p.Gly146Asp; replaces glycine 146 with aspartic acid.
Molecular consequence: missense variant.
Genome position (GRCh38, 1-based): chr15:89,215,148, C>T on the plus strand (G>A on the coding strand, the complement: RLBP1 is on the minus strand). VCF-style: chr15-89215148-C-T. GRCh37 (hg19) VCF-style: chr15-89758379-C-T.
Other names: short protein forms G146D.
Identifiers: ClinVar variation 4688371 (VCV004688371.1).